The following is an entry in ClinVar:

ClinVar aggregate classification (germline): Uncertain significance. Review status: criteria provided, multiple submitters, no conflicts (2 of 4 stars). 2 submissions from 2 submitters: Uncertain significance (2). Last evaluated 2024-12-12.

Allele frequency attached by ClinVar (database versions not stated): gnomAD exomes below 0.00001 and 0.00002.
gnomAD v4.1: 21 of 1,612,450 alleles (0.0013%); highest among the groups gnomAD compares: Non-Finnish European, 0.0018%; no homozygotes.

Submissions (2):

Ambry Genetics
Classification: Uncertain significance. Last evaluated: 2024-12-12. Review status: criteria provided, single submitter. Criteria: Ambry Variant Classification Scheme 2023. Collection method: clinical testing. Allele origin: germline.
Comment: The p.D469H variant (also known as c.1405G>C), located in coding exon 10 of the RINT1 gene, results from a G to C substitution at nucleotide position 1405. The aspartic acid at codon 469 is replaced by histidine, an amino acid with similar properties. This amino acid position is highly conserved in available vertebrate species. In addition, the in silico prediction for this alteration is inconclusive. Since supporting evidence is limited at this time, the clinical significance of this alteration remains unclear.

Labcorp Genetics (formerly Invitae), Labcorp
Classification: Uncertain significance. Last evaluated: 2023-10-09. Review status: criteria provided, single submitter. Criteria: Invitae Variant Classification Sherloc (09022015). Collection method: clinical testing. Allele origin: germline.
Comment: This sequence change replaces aspartic acid, which is acidic and polar, with histidine, which is basic and polar, at codon 469 of the RINT1 protein (p.Asp469His). This variant is present in population databases (no rsID available, gnomAD 0.0009%). This variant has not been reported in the literature in individuals affected with RINT1-related conditions. ClinVar contains an entry for this variant (Variation ID: 1363971). An algorithm developed to predict the effect of missense changes on protein structure and function (PolyPhen-2) suggests that this variant is likely to be disruptive. In summary, the available evidence is currently insufficient to determine the role of this variant in disease. Therefore, it has been classified as a Variant of Uncertain Significance.

NM_021930.6(RINT1):c.1405G>C (p.Asp469His)

Gene: RINT1 (RAD50 interactor 1; plus strand). Cytogenetic location: 7q22.3.
Variant type: single nucleotide variant.
Coding change: c.1405G>C on transcript NM_021930.6 (MANE Select); coding-DNA position 1405, G replaced by C.
Protein change: p.Asp469His; replaces aspartic acid 469 with histidine.
Molecular consequence: missense variant. On other transcripts: non-coding transcript variant (1).
Genome position (GRCh38, 1-based): chr7:105,551,641, G>C. VCF-style: chr7-105551641-G-C. GRCh37 (hg19) VCF-style: chr7-105192088-G-C.
Other names: c.1171G>C, p.Asp391His (NM_001346599.2); c.382G>C, p.Asp128His (NM_001346600.2, NM_001346603.2); c.481G>C, p.Asp161His (NM_001346601.2); short protein forms D161H, D469H, D128H, D391H.
Identifiers: ClinVar variation 1363971 (VCV001363971.11), dbSNP rs1295690900, ClinGen allele CA368810149.
Genomic context (GRCh38, chr7:105,551,641, plus strand): 5'-AAAATGGACTCAATGCTTTCCTCAGAAGCTGCCTGGGTATCGCAATATAAGGATATCACT[G>C]ACGTGGATGAAATGAAAGTTCCAGATTGTGCAGAAACTTTTATGACTCTACTCTTGGTTA-3'
Protein context (NP_068749.3, residues 459-479): AWVSQYKDIT[Asp469His]VDEMKVPDCA